The following is an entry in ClinVar:

NM_000368.5(TSC1):c.1634C>G (p.Pro545Arg)

Gene: TSC1 (TSC complex subunit 1; minus strand). Cytogenetic location: 9q34.13.
Variant type: single nucleotide variant.
Coding change: c.1634C>G on transcript NM_000368.5 (MANE Select); coding-DNA position 1634, C replaced by G.
Protein change: p.Pro545Arg; replaces proline 545 with arginine.
Molecular consequence: missense variant. On other transcripts: non-coding transcript variant (5).
Genome position (GRCh38, 1-based): chr9:132,905,944, G>C on the plus strand (C>G on the coding strand, the complement: TSC1 is on the minus strand). VCF-style: chr9-132905944-G-C. GRCh37 (hg19) VCF-style: chr9-135781331-G-C.
Other names: c.1631C>G, p.Pro544Arg (NM_001162426.2, NM_001406597.1, NM_001406598.1 and 6 more transcripts); c.1481C>G, p.Pro494Arg (NM_001162427.2, NM_001406610.1); c.1271C>G, p.Pro424Arg (NM_001362177.2, NM_001406614.1, NM_001406615.1 and 5 more transcripts); c.1634C>G, p.Pro545Arg (NM_001406592.1, NM_001406593.1, NM_001406594.1 and 7 more transcripts); c.1478C>G, p.Pro493Arg (NM_001406611.1, NM_001406612.1, NM_001406613.1); c.1268C>G, p.Pro423Arg (NM_001406620.1, NM_001406621.1, NM_001406622.1 and 2 more transcripts); c.683C>G, p.Pro228Arg (NM_001406626.1); c.680C>G, p.Pro227Arg (NM_001406627.1, NM_001406628.1); and 1 more; short protein forms P424R, P494R, P544R, P227R, P493R, P228R, P545R, P194R.
Identifiers: ClinVar variation 2562898 (VCV002562898.2), dbSNP rs1464618848, ClinGen allele CA375364560.

ClinVar aggregate classification (germline): Uncertain significance (1 of 4 stars; one submission).

Conditions:
Hereditary cancer-predisposing syndrome. Also called: Neoplastic Syndromes, Hereditary; Hereditary Cancer Syndrome; Hereditary neoplastic syndrome; Tumor predisposition. Identifiers: Orphanet 140162, MedGen C0027672, MeSH D009386, MONDO:0015356.

Submission:

Ambry Genetics
Classification: Uncertain significance for Hereditary cancer-predisposing syndrome. Last evaluated: 2023-05-28. Review status: criteria provided, single submitter. Criteria: Ambry Variant Classification Scheme 2023. Collection method: clinical testing. Allele origin: germline.
Comment: The p.P545R variant (also known as c.1634C>G), located in coding exon 13 of the TSC1 gene, results from a C to G substitution at nucleotide position 1634. The proline at codon 545 is replaced by arginine, an amino acid with dissimilar properties. This amino acid position is conserved. In addition, this alteration is predicted to be deleterious by in silico analysis. Since supporting evidence is limited at this time, the clinical significance of this alteration remains unclear.